The following is an entry in ClinVar:

NM_020821.3(VPS13C):c.2996A>G (p.Asp999Gly)

Gene: VPS13C (vacuolar protein sorting 13 homolog C; minus strand). Cytogenetic location: 15q22.2.
Variant type: single nucleotide variant.
Coding change: c.2996A>G on transcript NM_020821.3 (MANE Select); coding-DNA position 2996, A replaced by G.
Protein change: p.Asp999Gly; replaces aspartic acid 999 with glycine.
Molecular consequence: missense variant.
Genome position (GRCh38, 1-based): chr15:61,966,138, T>C on the plus strand (A>G on the coding strand, the complement: VPS13C is on the minus strand). VCF-style: chr15-61966138-T-C. GRCh37 (hg19) VCF-style: chr15-62258337-T-C.
Other names: c.2996A>G, p.Asp999Gly (NM_001018088.3); c.2867A>G, p.Asp956Gly (NM_017684.5, NM_018080.4); short protein forms D956G, D999G.
Identifiers: ClinVar variation 3391737 (VCV003391737.1).

ClinVar aggregate classification (germline): Uncertain significance (1 of 4 stars; one submission).

gnomAD v4.1: 1 of 1,603,182 alleles (0.000062%); highest among the groups gnomAD compares: Non-Finnish European, 0.000085%; no homozygotes.

Submission:

GeneDx
Classification: Uncertain significance. Last evaluated: 2024-06-21. Review status: criteria provided, single submitter. Criteria: GeneDx Variant Classification Process June 2021. Collection method: clinical testing. Allele origin: germline. Affected: yes.
Comment: Not observed at significant frequency in large population cohorts (gnomAD); In silico analysis supports that this missense variant has a deleterious effect on protein structure/function; Has not been previously published as pathogenic or benign to our knowledge